The following is an entry in ClinVar:

NM_024665.7(TBL1XR1):c.245C>G (p.Ser82Cys)

Gene: TBL1XR1 (TBL1X/Y related 1; minus strand). Cytogenetic location: 3q26.32.
Variant type: single nucleotide variant.
Coding change: c.245C>G on transcript NM_024665.7 (MANE Select); coding-DNA position 245, C replaced by G.
Protein change: p.Ser82Cys; replaces serine 82 with cysteine.
Molecular consequence: missense variant. On other transcripts: 5 prime UTR variant (2).
Genome position (GRCh38, 1-based): chr3:177,051,686, G>C on the plus strand (C>G on the coding strand, the complement: TBL1XR1 is on the minus strand). VCF-style: chr3-177051686-G-C. GRCh37 (hg19) VCF-style: chr3-176769474-G-C.
Other names: c.245C>G, p.Ser82Cys (NM_001321193.3, NM_001321194.3, NM_001374327.1 and 2 more transcripts); c.-17C>G (NM_001321195.3, NM_001374330.1); short protein forms S82C.
Identifiers: ClinVar variation 4685083 (VCV004685083.1).

ClinVar aggregate classification (germline): Uncertain significance (1 of 4 stars; one submission).

Submission:

GeneDx
Classification: Uncertain significance. Last evaluated: 2025-07-11. Review status: criteria provided, single submitter. Criteria: GeneDx Variant Classification Process June 2021. Collection method: clinical testing. Allele origin: germline. Affected: yes.
Comment: Not observed at significant frequency in large population cohorts (gnomAD); In silico analysis supports that this missense variant has a deleterious effect on protein structure/function; Has not been previously published as pathogenic or benign to our knowledge